The following is an entry in ClinVar:

ClinVar aggregate classification (germline): Uncertain significance (1 of 4 stars; one submission).

Submission:

Labcorp Genetics (formerly Invitae), Labcorp
Classification: Uncertain significance. Last evaluated: 2021-12-10. Review status: criteria provided, single submitter. Criteria: Invitae Variant Classification Sherloc (09022015). Collection method: clinical testing. Allele origin: germline.
Comment: This variant, c.207_221del, results in the deletion of 5 amino acid(s) of the FOXI3 protein (p.Ala70_Ala74del), but otherwise preserves the integrity of the reading frame. This variant is present in population databases (no rsID available, gnomAD 0.007%). This variant has not been reported in the literature in individuals affected with FOXI3-related conditions. In summary, the available evidence is currently insufficient to determine the role of this variant in disease. Therefore, it has been classified as a Variant of Uncertain Significance.

NM_001135649.3(FOXI3):c.207_221del (p.Ala70_Ala74del)

Gene: FOXI3 (forkhead box I3; minus strand). Cytogenetic location: 2p11.2.
Variant type: Deletion.
Coding change: c.207_221del on transcript NM_001135649.3 (MANE Select); coding-DNA positions 207 to 221, 15 bases deleted (CGCAGCCGCCGCCGC).
Protein change: p.Ala70_Ala74del.
Molecular consequence: inframe deletion.
Genome position (GRCh38, 1-based): chr2:88,452,315-88,452,329, GCGGCGGCGGCTGCG deleted on the plus strand (CGCAGCCGCCGCCGC on the coding strand, the reverse complement: FOXI3 is on the minus strand); deleting any 15 consecutive bases within chr2:88,452,315-88,452,339 gives the same sequence; the c. name uses the placement nearest the transcript's 3' end. VCF-style (leftmost placement, unchanged base first): chr2-88452314-CGCGGCGGCGGCTGCG-C. GRCh37 (hg19) VCF-style: chr2-88751832-CGCGGCGGCGGCTGCG-C.
Identifiers: ClinVar variation 1964216 (VCV001964216.5), dbSNP rs1439590169, ClinGen allele CA534638481.